The following is an entry in ClinVar:

NM_152383.5(DIS3L2):c.222A>C (p.Arg74Ser)

Gene: DIS3L2 (DIS3 like 3'-5' exoribonuclease 2; plus strand). Cytogenetic location: 2q37.1.
Variant type: single nucleotide variant.
Coding change: c.222A>C on transcript NM_152383.5 (MANE Select); coding-DNA position 222, A replaced by C.
Protein change: p.Arg74Ser; replaces arginine 74 with serine.
Molecular consequence: missense variant. On other transcripts: non-coding transcript variant (2).
Genome position (GRCh38, 1-based): chr2:232,024,288, A>C. VCF-style: chr2-232024288-A-C. GRCh37 (hg19) VCF-style: chr2-232888998-A-C.
Other names: c.222A>C, p.Arg74Ser (NM_001257281.2, NM_001257282.2); short protein forms R74S.
Identifiers: ClinVar variation 531929 (VCV000531929.8), dbSNP rs1553601861, ClinGen allele CA351152730.

ClinVar aggregate classification (germline): Uncertain significance (1 of 4 stars; one submission).

Conditions:
Perlman syndrome (PRLMNS). Identifiers: Orphanet 2849, MedGen C0796113, MONDO:0009965, OMIM 267000.

Submission:

Labcorp Genetics (formerly Invitae), Labcorp
Classification: Uncertain significance for Perlman syndrome. Last evaluated: 2017-09-10. Review status: criteria provided, single submitter. Criteria: Invitae Variant Classification Sherloc (09022015). Collection method: clinical testing. Allele origin: germline.
Comment: This sequence change replaces arginine with serine at codon 74 of the DIS3L2 protein (p.Arg74Ser). The arginine residue is highly conserved and there is a moderate physicochemical difference between arginine and serine. This variant is not present in population databases (ExAC no frequency). This variant has not been reported in the literature in individuals with DIS3L2-related disease. Algorithms developed to predict the effect of missense changes on protein structure and function do not agree on the potential impact of this missense change (SIFT: "Deleterious"; PolyPhen-2: "Probably Damaging"; Align-GVGD: "Class C0"). In summary, the available evidence is currently insufficient to determine the role of this variant in disease. Therefore, it has been classified as a Variant of Uncertain Significance.